The following is an entry in ClinVar:

NM_153252.5(BRWD3):c.331+1G>A

Gene: BRWD3 (bromodomain and WD repeat domain containing 3; minus strand). Cytogenetic location: Xq21.1.
Variant type: single nucleotide variant.
Coding change: c.331+1G>A on transcript NM_153252.5 (MANE Select); the canonical splice donor site of the intron after coding-DNA position 331, G replaced by A.
Molecular consequence: splice donor variant.
Genome position (GRCh38, 1-based): chrX:80,793,621, C>T on the plus strand (G>A on the coding strand, the complement: BRWD3 is on the minus strand). VCF-style: chrX-80793621-C-T. GRCh37 (hg19) VCF-style: chrX-80049120-C-T.
Identifiers: ClinVar variation 1066258 (VCV001066258.7), dbSNP rs2147856928, ClinGen allele CA413613229.

ClinVar aggregate classification (germline): Likely pathogenic (1 of 4 stars; one submission).

Submission:

Labcorp Genetics (formerly Invitae), Labcorp
Classification: Likely pathogenic. Last evaluated: 2017-10-31. Review status: criteria provided, single submitter. Criteria: Invitae Variant Classification Sherloc (09022015). Collection method: clinical testing. Allele origin: germline.
Comment: In summary, the currently available evidence indicates that the variant is pathogenic, but additional data are needed to prove that conclusively. Therefore, this variant has been classified as Likely Pathogenic. Donor and acceptor splice site variants typically lead to a loss of protein function (PMID: 16199547), and loss-of-function variants in BRWD3 are known to be pathogenic (PMID: 17668385, 26350204). This variant has not been reported in the literature in individuals with BRWD3-related disease. This variant is not present in population databases (ExAC no frequency). This sequence change affects a donor splice site in intron 5 of the BRWD3 gene. It is expected to disrupt RNA splicing and likely results in an absent or disrupted protein product.

Literature cited by the submitters: PubMed 16199547; PubMed 17668385; PubMed 26350204.